The following is an entry in ClinVar:

NM_000091.5(COL4A3):c.1883G>T (p.Gly628Val)

Genes: COL4A3 (collagen type IV alpha 3 chain; plus strand), MFF-DT (MFF divergent transcript; minus strand). Cytogenetic location: 2q36.3.
Variant type: single nucleotide variant.
Coding change: c.1883G>T on transcript NM_000091.5 (MANE Select); coding-DNA position 1883, G replaced by T.
Protein change: p.Gly628Val; replaces glycine 628 with valine.
Molecular consequence: missense variant.
Genome position (GRCh38, 1-based): chr2:227,273,073, G>T. VCF-style: chr2-227273073-G-T. GRCh37 (hg19) VCF-style: chr2-228137789-G-T.
Other names: short protein forms G628V.
Identifiers: ClinVar variation 4818985 (VCV004818985.1).

ClinVar aggregate classification (germline): Likely pathogenic (1 of 4 stars; one submission).

Conditions:
Alport syndrome. Also called: Hemorrhagic familial nephritis; Hemorrhagic hereditary nephritis; Congenital hereditary hematuria. Identifiers: Orphanet 63, MedGen C1567741, MONDO:0018965.

Submission:

Victorian Clinical Genetics Services, Murdoch Childrens Research Institute
Classification: Likely pathogenic for Alport syndrome. Last evaluated: 2025-12-02. Review status: criteria provided, single submitter. Criteria: ACMG Guidelines, 2015. Collection method: clinical testing. Allele origin: germline. Affected: yes.
Comment: This variant is classified as Likely pathogenic. Evidence in support of pathogenic classification: Variant is absent from gnomAD (v2, v3 and v4); This variant has limited previous evidence of pathogenicity in an unrelated individual. It has been reported once in a cohort of individuals with familial or sporadic focal segmental glomerulosclerosis (PMID: 31308072); Variant is located in the well-established functional Gly-X-Y motif in the collagen triple helical domain (DECIPHER); Missense variant predicted to be damaging by in silico tool(s) or highly conserved with a major amino acid change. Additional information: Variant is predicted to result in a missense amino acid change from Gly to Val; This variant is heterozygous; This gene is associated with both recessive and dominant Alport syndrome (MONDO:0018965), COL4A3-related; Alternative amino acid change(s) at the same position are present in gnomAD (highest allele count: v4: 2 heterozygote(s), 0 homozygote(s)); No published evidence of segregation with disease has been identified for this variant; No published functional evidence has been identified for this variant; Another missense variant(s) comparable to the one identified in this case has conflicting previous evidence for pathogenicity. p.(Gly628Asp) has been reported in a homozygous individual with microhematuria and nephrotic proteinuria (PMID: 36177613) and has been classified as pathogenic and as a variant of uncertain significance by clinical laboratories (ClinVar); Loss of function is a known mechanism of disease for this gene and is associated with Alport syndrome (MONDO:0018965), COL4A3-related. Dominant negative is a suspected mechanism of disease for glycine changes that are part of a G-X-Y repeat in the triple helix of a collagen domain (PMIDs: 12028435, 24046192, 38214412); Inheritance information for this variant is not currently available in this individual.

Literature cited by the submitters: PubMed 36177613; PubMed 12028435; PubMed 24046192; PubMed 38214412; PubMed 31308072.